The following is an entry in ClinVar:

ClinVar aggregate classification (germline): Benign. Review status: criteria provided, single submitter (1 of 4 stars). 2 submissions from 2 submitters: Benign (1). 1 of the submissions does not count toward it. Last evaluated 2018-10-17.

Conditions:
LRPAP1-related disorder. Also called: LRPAP1-related condition.

Allele frequency attached by ClinVar (database versions not stated): 1000 Genomes Project 30x 0.00078; 1000 Genomes Project 0.00100; TOPMed 0.00139; ESP Exome Variant Server 0.00161.
gnomAD v4.1: 416 of 1,613,648 alleles (0.026%); highest among the groups gnomAD compares: African/African-American, 0.5%; 2 homozygotes.

Submissions (2):

Labcorp Genetics (formerly Invitae), Labcorp
Classification: Benign. Last evaluated: 2018-10-17. Review status: criteria provided, single submitter. Criteria: Invitae Variant Classification Sherloc (09022015). Collection method: clinical testing. Allele origin: germline.

PreventionGenetics, part of Exact Sciences
Classification: Likely benign for LRPAP1-related condition. Last evaluated: 2022-12-22. Review status: no assertion criteria provided. Collection method: clinical testing. Allele origin: germline. Not counted in ClinVar's aggregate classification.
Comment: This variant is classified as likely benign based on ACMG/AMP sequence variant interpretation guidelines (Richards et al. 2015 PMID: 25741868, with internal and published modifications).

NM_002337.4(LRPAP1):c.552C>T (p.His184=)

Gene: LRPAP1 (LDL receptor related protein associated protein 1; minus strand). Cytogenetic location: 4p16.3.
Variant type: single nucleotide variant.
Coding change: c.552C>T on transcript NM_002337.4 (MANE Select); coding-DNA position 552, C replaced by T.
Protein change: p.His184=; no amino-acid change (histidine 184 retained).
Molecular consequence: synonymous variant. On other transcripts: non-coding transcript variant (1).
Genome position (GRCh38, 1-based): chr4:3,518,911, G>A on the plus strand (C>T on the coding strand, the complement: LRPAP1 is on the minus strand). VCF-style: chr4-3518911-G-A. GRCh37 (hg19) VCF-style: chr4-3520638-G-A.
Identifiers: ClinVar variation 780455 (VCV000780455.5), dbSNP rs149133766, ClinGen allele CA2829952.